The following is an entry in ClinVar:

NM_013322.3(SNX10):c.319C>A (p.Gln107Lys)

Gene: SNX10 (sorting nexin 10; plus strand). Cytogenetic location: 7p15.2.
Variant type: single nucleotide variant.
Coding change: c.319C>A on transcript NM_013322.3 (MANE Select); coding-DNA position 319, C replaced by A.
Protein change: p.Gln107Lys; replaces glutamine 107 with lysine.
Molecular consequence: missense variant.
Genome position (GRCh38, 1-based): chr7:26,371,828, C>A. VCF-style: chr7-26371828-C-A. GRCh37 (hg19) VCF-style: chr7-26411448-C-A.
Other names: c.319C>A, p.Gln107Lys (NM_001199835.1, NM_001318199.3); c.310C>A, p.Gln104Lys (NM_001199837.3); c.67C>A, p.Gln23Lys (NM_001199838.2); c.397C>A, p.Gln133Lys (NM_001318198.1, NM_001362753.1, NM_001362754.1); short protein forms Q104K, Q107K, Q133K, Q23K.
Identifiers: ClinVar variation 1714637 (VCV001714637.5), dbSNP rs2536170025, ClinGen allele CA367228498.

ClinVar aggregate classification (germline): Uncertain significance (1 of 4 stars; one submission).

Allele frequency attached by ClinVar (database versions not stated): gnomAD exomes below 0.00001.
gnomAD v4.1: 1 of 1,609,400 alleles (0.000062%); highest among the groups gnomAD compares: Non-Finnish European, 0.000085%; no homozygotes.

Submission:

Labcorp Genetics (formerly Invitae), Labcorp
Classification: Uncertain significance. Last evaluated: 2022-07-31. Review status: criteria provided, single submitter. Criteria: Invitae Variant Classification Sherloc (09022015). Collection method: clinical testing. Allele origin: germline.
Comment: In summary, the available evidence is currently insufficient to determine the role of this variant in disease. Therefore, it has been classified as a Variant of Uncertain Significance. Algorithms developed to predict the effect of sequence changes on RNA splicing suggest that this variant may disrupt the consensus splice site. Algorithms developed to predict the effect of missense changes on protein structure and function are either unavailable or do not agree on the potential impact of this missense change (SIFT: "Tolerated"; PolyPhen-2: "Possibly Damaging"; Align-GVGD: "Class C0"). This variant has not been reported in the literature in individuals affected with SNX10-related conditions. This variant is not present in population databases (gnomAD no frequency). This sequence change replaces glutamine, which is neutral and polar, with lysine, which is basic and polar, at codon 107 of the SNX10 protein (p.Gln107Lys).